The following is an entry in ClinVar:

NM_000465.4(BARD1):c.1720G>A (p.Gly574Ser)

Gene: BARD1 (BRCA1 associated RING domain 1; minus strand). Cytogenetic location: 2q35.
Variant type: single nucleotide variant.
Coding change: c.1720G>A on transcript NM_000465.4 (MANE Select); coding-DNA position 1720, G replaced by A.
Protein change: p.Gly574Ser; replaces glycine 574 with serine.
Molecular consequence: missense variant. On other transcripts: non-coding transcript variant (3), intron variant (1).
Genome position (GRCh38, 1-based): chr2:214,745,812, C>T on the plus strand (G>A on the coding strand, the complement: BARD1 is on the minus strand). VCF-style: chr2-214745812-C-T. GRCh37 (hg19) VCF-style: chr2-215610536-C-T.
Other names: c.1663G>A, p.Gly555Ser (NM_001282543.2); c.367G>A, p.Gly123Ser (NM_001282545.2); c.310G>A, p.Gly104Ser (NM_001282548.2); c.365-15304G>A (NM_001282549.2); short protein forms G574S, G104S, G123S, G555S.
Identifiers: ClinVar variation 233486 (VCV000233486.16), dbSNP rs876660437, ClinGen allele CA10577789.

ClinVar aggregate classification (germline): Uncertain significance. Review status: criteria provided, multiple submitters, no conflicts (2 of 4 stars). 3 submissions from 3 submitters: Uncertain significance (3). Last evaluated 2025-03-26.

Conditions:
Hereditary cancer-predisposing syndrome. Also called: Neoplastic Syndromes, Hereditary; Tumor predisposition; Hereditary Cancer Syndrome; Hereditary neoplastic syndrome. Identifiers: Orphanet 140162, MedGen C0027672, MeSH D009386, MONDO:0015356.
Familial cancer of breast. Also called: BREAST CANCER, FAMILIAL; hereditary breast carcinoma; Hereditary breast cancer. Identifiers: Orphanet 227535, MedGen C0346153, MONDO:0016419, OMIM 114480. Disease mechanism: loss of function.

Allele frequency attached by ClinVar (database versions not stated): gnomAD exomes below 0.00001; TOPMed below 0.00001.

Submissions (3):

Labcorp Genetics (formerly Invitae), Labcorp
Classification: Uncertain significance for Familial cancer of breast. Last evaluated: 2025-03-26. Review status: criteria provided, single submitter. Criteria: Invitae Variant Classification Sherloc (09022015). Collection method: clinical testing. Allele origin: germline.
Comment: This sequence change replaces glycine, which is neutral and non-polar, with serine, which is neutral and polar, at codon 574 of the BARD1 protein (p.Gly574Ser). This variant is not present in population databases (gnomAD no frequency). This variant has not been reported in the literature in individuals affected with BARD1-related conditions. ClinVar contains an entry for this variant (Variation ID: 233486). An algorithm developed to predict the effect of missense changes on protein structure and function outputs the following: PolyPhen-2: "Possibly Damaging". The serine amino acid residue is found in multiple mammalian species, which suggests that this missense change does not adversely affect protein function. In summary, the available evidence is currently insufficient to determine the role of this variant in disease. Therefore, it has been classified as a Variant of Uncertain Significance.

Color Diagnostics, LLC DBA Color Health
Classification: Uncertain significance for Hereditary cancer-predisposing syndrome. Last evaluated: 2024-03-06. Review status: criteria provided, single submitter. Criteria: ACMG Guidelines, 2015. Collection method: clinical testing. Allele origin: germline.
Comment: This missense variant replaces glycine with serine at codon 574 of the BARD1 protein. Computational prediction suggests that this variant may not impact protein structure and function (internally defined REVEL score threshold <= 0.5, PMID: 27666373). To our knowledge, functional studies have not been reported for this variant. This variant has not been reported in individuals affected with hereditary cancer in the literature. This variant has not been identified in the general population by the Genome Aggregation Database (gnomAD). The available evidence is insufficient to determine the role of this variant in disease conclusively. Therefore, this variant is classified as a Variant of Uncertain Significance.

Ambry Genetics
Classification: Uncertain significance for Hereditary cancer-predisposing syndrome. Last evaluated: 2023-10-12. Review status: criteria provided, single submitter. Criteria: Ambry Variant Classification Scheme 2023. Collection method: clinical testing. Allele origin: germline.
Comment: The p.G574S variant (also known as c.1720G>A), located in coding exon 8 of the BARD1 gene, results from a G to A substitution at nucleotide position 1720. The glycine at codon 574 is replaced by serine, an amino acid with similar properties. This amino acid position is highly conserved in available vertebrate species. In addition, the in silico prediction for this alteration is inconclusive. Since supporting evidence is limited at this time, the clinical significance of this alteration remains unclear.